The following is an entry in ClinVar:

ClinVar aggregate classification (germline): Uncertain significance (1 of 4 stars; one submission).

Conditions:
Inborn genetic diseases. Identifiers: MedGen C0950123, MeSH D030342.

Allele frequency attached by ClinVar (database versions not stated): gnomAD exomes below 0.00001.

Submission:

Ambry Genetics
Classification: Uncertain significance for Inborn genetic diseases. Last evaluated: 2022-02-06. Review status: criteria provided, single submitter. Criteria: Ambry Variant Classification Scheme 2023. Collection method: clinical testing. Allele origin: germline.
Comment: The p.I98V variant (also known as c.292A>G), located in coding exon 3 of the MDH2 gene, results from an A to G substitution at nucleotide position 292. The isoleucine at codon 98 is replaced by valine, an amino acid with highly similar properties. This amino acid position is conserved. In addition, the in silico prediction for this alteration is inconclusive. Since supporting evidence is limited at this time, the clinical significance of this alteration remains unclear.

NM_005918.4(MDH2):c.292A>G (p.Ile98Val)

Gene: MDH2 (malate dehydrogenase 2; plus strand). Cytogenetic location: 7q11.23.
Variant type: single nucleotide variant.
Coding change: c.292A>G on transcript NM_005918.4 (MANE Select); coding-DNA position 292, A replaced by G.
Protein change: p.Ile98Val; replaces isoleucine 98 with valine.
Molecular consequence: missense variant. On other transcripts: 5 prime UTR variant (1).
Genome position (GRCh38, 1-based): chr7:76,057,466, A>G. VCF-style: chr7-76057466-A-G. GRCh37 (hg19) VCF-style: chr7-75686784-A-G.
Other names: c.292A>G, p.Ile98Val (NM_001282403.2); c.-30A>G (NM_001282404.2); short protein forms I98V.
Identifiers: ClinVar variation 1797781 (VCV001797781.2), dbSNP rs1554586420, ClinGen allele CA367763540.